The following is an entry in ClinVar:

ClinVar aggregate classification (germline): Uncertain significance. Review status: criteria provided, multiple submitters, no conflicts (2 of 4 stars). 3 submissions from 3 submitters: Uncertain significance (3). Last evaluated 2024-01-05.

Conditions:
Sclerosteosis 2 (SOST2). Identifiers: Orphanet 3152, MedGen C3280402, MONDO:0013679, OMIM 614305.
Cenani-Lenz syndactyly syndrome. Also called: CENANI SYNDACTYLISM; SYNDACTYLY, TYPE VII. Identifiers: Orphanet 3258, MedGen C1859309, MONDO:0008931, OMIM 212780.
Congenital myasthenic syndrome 17. Identifiers: Orphanet 590, MedGen C4225377, MONDO:0014578, OMIM 616304.
Inborn genetic diseases. Identifiers: MedGen C0950123, MeSH D030342.

Allele frequency attached by ClinVar (database versions not stated): gnomAD exomes 0.00001 and 0.00002; ExAC 0.00002; ESP Exome Variant Server 0.00008; gnomAD 0.00009 and 0.00010; TOPMed 0.00028.

Submissions (3):

Fulgent Genetics
Classification: Uncertain significance for Cenani-Lenz syndactyly syndrome; Sclerosteosis 2; Congenital myasthenic syndrome 17. Last evaluated: 2024-01-05. Review status: criteria provided, single submitter. Criteria: ACMG Guidelines, 2015. Collection method: clinical testing. Allele origin: germline.

Labcorp Genetics (formerly Invitae), Labcorp
Classification: Uncertain significance for Cenani-Lenz syndactyly syndrome; Sclerosteosis 2; Congenital myasthenic syndrome 17. Last evaluated: 2022-08-16. Review status: criteria provided, single submitter. Criteria: Invitae Variant Classification Sherloc (09022015). Collection method: clinical testing. Allele origin: germline.
Comment: This sequence change replaces arginine, which is basic and polar, with cysteine, which is neutral and slightly polar, at codon 478 of the LRP4 protein (p.Arg478Cys). This variant is present in population databases (rs146660159, gnomAD 0.004%). This variant has not been reported in the literature in individuals affected with LRP4-related conditions. ClinVar contains an entry for this variant (Variation ID: 1009260). Algorithms developed to predict the effect of missense changes on protein structure and function are either unavailable or do not agree on the potential impact of this missense change (SIFT: "Deleterious"; PolyPhen-2: "Benign"; Align-GVGD: "Class C0"). In summary, the available evidence is currently insufficient to determine the role of this variant in disease. Therefore, it has been classified as a Variant of Uncertain Significance.

Ambry Genetics
Classification: Uncertain significance for Inborn genetic diseases. Last evaluated: 2021-08-30. Review status: criteria provided, single submitter. Criteria: Ambry Variant Classification Scheme 2023. Collection method: clinical testing. Allele origin: germline.

NM_002334.4(LRP4):c.1432C>T (p.Arg478Cys)

Gene: LRP4 (LDL receptor related protein 4; minus strand). Cytogenetic location: 11p11.2.
Variant type: single nucleotide variant.
Coding change: c.1432C>T on transcript NM_002334.4 (MANE Select); coding-DNA position 1432, C replaced by T.
Protein change: p.Arg478Cys; replaces arginine 478 with cysteine.
Molecular consequence: missense variant.
Genome position (GRCh38, 1-based): chr11:46,894,697, G>A on the plus strand (C>T on the coding strand, the complement: LRP4 is on the minus strand). VCF-style: chr11-46894697-G-A. GRCh37 (hg19) VCF-style: chr11-46916248-G-A.
Other names: c.1432C>T (NM_002334.3); short protein forms R478C.
Identifiers: ClinVar variation 1009260 (VCV001009260.6), dbSNP rs146660159, ClinGen allele CA5970153.
Genomic context (GRCh38, chr11:46,894,697, plus strand): 5'-TGAGGTTGGCACGGAGGATCCGGTCCAGGGTGACATCTGACCAGAAGACAAGCTCGCGGC[G>A]GTGGTGGAAATCAAGGGCAATGGCATTCTCCAGGTTGTTAAGCAGCAGTGTGTACTCAGA-3'
Protein context (NP_002325.2, residues 468-488): ENAIALDFHH[Arg478Cys]RELVFWSDVT